The following is an entry in ClinVar:

NC_000011.10:g.90072986C>T

Genes: TRIM49C (tripartite motif containing 49C; plus strand), UBTFL1 (upstream binding transcription factor like 1; plus strand). Cytogenetic location: 11q14.3.
Variant type: single nucleotide variant.
Genome position: GRCh38 VCF-style: chr11-90072986-C-T. GRCh37 (hg19) VCF-style: chr11-89806154-C-T.
Identifiers: ClinVar variation 2642263 (VCV002642263.24), dbSNP rs199762024, ClinGen allele CA6224457.

ClinVar aggregate classification (germline): Likely benign (1 of 4 stars; one submission).

Allele frequency attached by ClinVar (database versions not stated): 1000 Genomes Project 30x 0.00031; 1000 Genomes Project 0.00040; gnomAD exomes 0.00326; gnomAD 0.00344; ExAC 0.00577.
gnomAD v4.1: 2,071 of 624,218 alleles (0.33%); highest among the groups gnomAD compares: Admixed American, 0.66%; 170 homozygotes.

Submission:

CeGaT Center for Human Genetics Tuebingen
Classification: Likely benign. Last evaluated: 2023-01-01. Review status: criteria provided, single submitter. Criteria: CeGaT Center For Human Genetics Tuebingen Variant Classification Criteria Version 2. Collection method: clinical testing. Allele origin: germline. Affected: yes. Observed: 2 variant alleles.
Comment: UBTFL1: BS2